The following is an entry in ClinVar:

NM_182961.4(SYNE1):c.2992C>T (p.Gln998Ter)

Gene: SYNE1 (spectrin repeat containing nuclear envelope protein 1; minus strand). Cytogenetic location: 6q25.2.
Variant type: single nucleotide variant.
Coding change: c.2992C>T on transcript NM_182961.4 (MANE Select); coding-DNA position 2992, C replaced by T.
Protein change: p.Gln998Ter; replaces glutamine 998 with a stop codon.
Molecular consequence: nonsense.
Genome position (GRCh38, 1-based): chr6:152,453,621, G>A on the plus strand (C>T on the coding strand, the complement: SYNE1 is on the minus strand). VCF-style: chr6-152453621-G-A. GRCh37 (hg19) VCF-style: chr6-152774756-G-A.
Other names: c.3013C>T, p.Gln1005Ter (NM_033071.5); short protein forms Q1005*, Q998*.
Identifiers: ClinVar variation 1075274 (VCV001075274.7), dbSNP rs2154254291, ClinGen allele CA366151139.
Genomic context (GRCh38, chr6:152,453,621, plus strand): 5'-GTGTCTCCGTCCTGTCCTGACTCACCTTCCATTGTTTGTGGAGCTTTCGAACAGCTTCCT[G>A]CAGCCCCTGCTGCTCCTGCTCTGGAAGGATGTCGGTGAGTTCATCACAAGCTTTCAGGAA-3'

ClinVar aggregate classification (germline): Pathogenic (1 of 4 stars; one submission).

Conditions:
Emery-Dreifuss muscular dystrophy 4, autosomal dominant (EDMD4). Also called: EMERY-DREIFUSS MUSCULAR DYSTROPHY 4 WITH VARIABLE FEATURES. Identifiers: Orphanet 261, MedGen C2751807, MONDO:0013071, OMIM 612998.
Autosomal recessive ataxia, Beauce type. Also called: Spinocerebellar ataxia, autosomal recessive 8; ATAXIA, RECESSIVE, OF BEAUCE; SYNE1-Related Autosomal Recessive Cerebellar Ataxia; SYNE1 Deficiency. Identifiers: Orphanet 88644, MedGen C1853116, MONDO:0012549, OMIM 610743.

Submission:

Labcorp Genetics (formerly Invitae), Labcorp
Classification: Pathogenic for Emery-Dreifuss muscular dystrophy 4, autosomal dominant; Autosomal recessive ataxia, Beauce type. Last evaluated: 2020-01-10. Review status: criteria provided, single submitter. Criteria: Invitae Variant Classification Sherloc (09022015). Collection method: clinical testing. Allele origin: germline.
Comment: For these reasons, this variant has been classified as Pathogenic. Loss-of-function variants in SYNE1 are known to be pathogenic (PMID: 27086870). This variant has not been reported in the literature in individuals with SYNE1-related conditions. This variant is not present in population databases (ExAC no frequency). This sequence change creates a premature translational stop signal (p.Gln1005*) in the SYNE1 gene. It is expected to result in an absent or disrupted protein product.

Literature cited by the submitters: PubMed 27086870.